The following is an entry in ClinVar:

NM_001040142.2(SCN2A):c.2151A>G (p.Glu717=)

Gene: SCN2A (sodium voltage-gated channel alpha subunit 2; plus strand). Cytogenetic location: 2q24.3.
Variant type: single nucleotide variant.
Coding change: c.2151A>G on transcript NM_001040142.2 (MANE Select); coding-DNA position 2151, A replaced by G.
Protein change: p.Glu717=; no amino-acid change (glutamic acid 717 retained).
Molecular consequence: synonymous variant.
Genome position (GRCh38, 1-based): chr2:165,331,331, A>G. VCF-style: chr2-165331331-A-G. GRCh37 (hg19) VCF-style: chr2-166187841-A-G.
Other names: c.2151A>G, p.Glu717= (NM_001040143.2, NM_001371246.1, NM_001371247.1 and 1 more transcripts).
Identifiers: ClinVar variation 3026212 (VCV003026212.22), dbSNP rs1698662245, ClinGen allele CA429971834.
Genomic context (GRCh38, chr2:165,331,331, plus strand): 5'-AAATCTGCTTAATAGAAAGTAAGCAGTTTTCATGAGGATTCTAACTTTTTTTCTTCCAGA[A>G]CTTGAAGAATCCAGACAGAAATGCCCACCATGCTGGTATAAATTTGCTAATATGTGTTTG-3'
Protein context (NP_001035232.1, residues 707-727): IASILTNTME[Glu717=]LEESRQKCPP

ClinVar aggregate classification (germline): Likely benign (1 of 4 stars; one submission).

Allele frequency attached by ClinVar (database versions not stated): gnomAD exomes below 0.00001.
gnomAD v4.1: 4 of 1,610,268 alleles (0.00025%); highest among the groups gnomAD compares: Non-Finnish European, 0.00034%; no homozygotes.

Submission:

CeGaT Center for Human Genetics Tuebingen
Classification: Likely benign. Last evaluated: 2024-02-01. Review status: criteria provided, single submitter. Criteria: CeGaT Center For Human Genetics Tuebingen Variant Classification Criteria Version 2. Collection method: clinical testing. Allele origin: germline. Affected: yes. Observed: 1 variant allele.
Comment: SCN2A: PM2:Supporting, BP4, BP5